The following is an entry in ClinVar:

ClinVar aggregate classification (germline): Uncertain significance (1 of 4 stars; one submission).

Submission:

Labcorp Genetics (formerly Invitae), Labcorp
Classification: Uncertain significance. Last evaluated: 2021-03-29. Review status: criteria provided, single submitter. Criteria: Invitae Variant Classification Sherloc (09022015). Collection method: clinical testing. Allele origin: germline.
Comment: In summary, the available evidence is currently insufficient to determine the role of this variant in disease. Therefore, it has been classified as a Variant of Uncertain Significance. Nucleotide substitutions within the consensus splice site are a relatively common cause of aberrant splicing (PMID: 17576681, 9536098). Algorithms developed to predict the effect of sequence changes on RNA splicing suggest that this variant may disrupt the consensus splice site, but this prediction has not been confirmed by published transcriptional studies. This variant has been observed in individual(s) with Usher syndrome (Invitae). This variant is not present in population databases (ExAC no frequency). This sequence change falls in intron 60 of the USH2A gene. It does not directly change the encoded amino acid sequence of the USH2A protein. It affects a nucleotide within the consensus splice site of the intron.

Literature cited by the submitters: PubMed 17576681; PubMed 9536098.

NM_206933.4(USH2A):c.11712-3C>G

Gene: USH2A (usherin; minus strand). Cytogenetic location: 1q41.
Variant type: single nucleotide variant.
Coding change: c.11712-3C>G on transcript NM_206933.4 (MANE Select); 3 bases into the intron before coding-DNA position 11712, C replaced by G.
Molecular consequence: intron variant.
Genome position (GRCh38, 1-based): chr1:215,728,387, G>C on the plus strand (C>G on the coding strand, the complement: USH2A is on the minus strand). VCF-style: chr1-215728387-G-C. GRCh37 (hg19) VCF-style: chr1-215901729-G-C.
Identifiers: ClinVar variation 1477282 (VCV001477282.8), dbSNP rs2102713855, ClinGen allele CA2573131564.